The following is an entry in ClinVar:

ClinVar aggregate classification (germline): Uncertain significance. Review status: criteria provided, multiple submitters, no conflicts (2 of 4 stars). 2 submissions from 2 submitters: Uncertain significance (2). Last evaluated 2024-05-25.

Conditions:
Long QT syndrome (LQTS). Identifiers: MedGen C0023976, MeSH D008133, MONDO:0002442. Disease mechanism: loss of function. Inheritance: Various modes of inheritance.
Cardiovascular phenotype. Identifiers: MedGen CN230736.

Allele frequency attached by ClinVar (database versions not stated): gnomAD 0.00001; TOPMed 0.00001; gnomAD exomes 0.00002.
gnomAD v4.1: 38 of 1,613,962 alleles (0.0024%); highest among the groups gnomAD compares: East Asian, 0.013%; no homozygotes.

Submissions (2):

Labcorp Genetics (formerly Invitae), Labcorp
Classification: Uncertain significance for Long QT syndrome. Last evaluated: 2024-05-25. Review status: criteria provided, single submitter. Criteria: Invitae Variant Classification Sherloc (09022015). Collection method: clinical testing. Allele origin: germline.
Comment: This sequence change replaces histidine, which is basic and polar, with arginine, which is basic and polar, at codon 1784 of the AKAP9 protein (p.His1784Arg). This variant is present in population databases (no rsID available, gnomAD 0.01%). This variant has not been reported in the literature in individuals affected with AKAP9-related conditions. ClinVar contains an entry for this variant (Variation ID: 1054695). Algorithms developed to predict the effect of missense changes on protein structure and function output the following: SIFT: "Not Available"; PolyPhen-2: "Benign"; Align-GVGD: "Not Available". The arginine amino acid residue is found in multiple mammalian species, which suggests that this missense change does not adversely affect protein function. In summary, the available evidence is currently insufficient to determine the role of this variant in disease. Therefore, it has been classified as a Variant of Uncertain Significance.

Ambry Genetics
Classification: Uncertain significance for Cardiovascular phenotype. Last evaluated: 2023-11-07. Review status: criteria provided, single submitter. Criteria: Ambry Variant Classification Scheme 2023. Collection method: clinical testing. Allele origin: germline.

NM_005751.5(AKAP9):c.5351A>G (p.His1784Arg)

Gene: AKAP9 (A-kinase anchoring protein 9; plus strand). Cytogenetic location: 7q21.2.
Variant type: single nucleotide variant.
Coding change: c.5351A>G on transcript NM_005751.5 (MANE Select); coding-DNA position 5351, A replaced by G.
Protein change: p.His1784Arg; replaces histidine 1784 with arginine.
Molecular consequence: missense variant.
Genome position (GRCh38, 1-based): chr7:92,045,196, A>G. VCF-style: chr7-92045196-A-G. GRCh37 (hg19) VCF-style: chr7-91674510-A-G.
Other names: c.5351A>G (NM_005751.4); c.5351A>G, p.His1784Arg (NM_147185.3); short protein forms H1784R.
Identifiers: ClinVar variation 1054695 (VCV001054695.10), dbSNP rs1193122767, ClinGen allele CA368130866.